The following is an entry in ClinVar:

ClinVar aggregate classification (germline): Pathogenic/Likely pathogenic. Review status: criteria provided, multiple submitters, no conflicts (2 of 4 stars). 3 submissions from 3 submitters: Pathogenic (2); Likely pathogenic (1). Last evaluated 2025-10-27.

Conditions:
Hemolytic anemia due to hexokinase deficiency (CNSHA5). Also called: ANEMIA, CONGENITAL, NONSPHEROCYTIC HEMOLYTIC, 5; HEMOLYTIC ANEMIA, NONSPHEROCYTIC, DUE TO HEXOKINASE DEFICIENCY; Non-spherocytic hemolytic anemia due to hexokinase deficiency; Hexokinase deficiency hemolytic anemia. Identifiers: Orphanet 90031, MedGen C3150343, MONDO:0009340, OMIM 235700.

Allele frequency attached by ClinVar (database versions not stated): TOPMed below 0.00001; gnomAD 0.00001; gnomAD exomes 0.00001.
gnomAD v4.1: 4 of 1,613,922 alleles (0.00025%); highest among the groups gnomAD compares: East Asian, 0.0022%; no homozygotes.

Submissions (3):

Labcorp Genetics (formerly Invitae), Labcorp
Classification: Likely pathogenic. Last evaluated: 2025-10-27. Review status: criteria provided, single submitter. Criteria: Invitae Variant Classification Sherloc (09022015). Collection method: clinical testing. Allele origin: germline.
Comment: This sequence change replaces arginine, which is basic and polar, with glutamine, which is neutral and polar, at codon 94 of the HK1 protein (p.Arg94Gln). This variant is not present in population databases (gnomAD no frequency). This missense change has been observed in individuals with clinical features of hexokinase deficiency (PMID: 19608687, 27282571, 34532855). This variant is also known as p.Arg93Gln. ClinVar contains an entry for this variant (Variation ID: 1438859). Invitae Evidence Modeling of protein sequence and biophysical properties (such as structural, functional, and spatial information, amino acid conservation, physicochemical variation, residue mobility, and thermodynamic stability) indicates that this missense variant is not expected to disrupt HK1 protein function with a negative predictive value of 80%. Algorithms developed to predict the effect of sequence changes on RNA splicing suggest that this variant may disrupt the consensus splice site. In summary, the currently available evidence indicates that the variant is pathogenic, but additional data are needed to prove that conclusively. Therefore, this variant has been classified as Likely Pathogenic.

CeGaT Center for Human Genetics Tuebingen
Classification: Pathogenic. Last evaluated: 2024-08-01. Review status: criteria provided, single submitter. Criteria: CeGaT Center For Human Genetics Tuebingen Variant Classification Criteria Version 2. Collection method: clinical testing. Allele origin: germline. Affected: yes. Observed: 2 variant alleles.
Comment: HK1: PVS1, PM3:Strong, PM2

Institute for Medical Genetics and Human Genetics, Charité - Universitätsmedizin Berlin
Classification: Pathogenic for Hemolytic anemia due to hexokinase deficiency. Review status: criteria provided, single submitter. Criteria: ACMG Guidelines, 2015. Collection method: not provided. Allele origin: germline. Inheritance: Autosomal recessive inheritance. Affected: yes.

Literature cited by the submitters: PubMed 19608687 (cited by Labcorp Genetics (formerly Invitae), Labcorp); PubMed 27282571 (cited by Labcorp Genetics (formerly Invitae), Labcorp); PubMed 34532855 (cited by Labcorp Genetics (formerly Invitae), Labcorp).

NM_000188.3(HK1):c.281G>A (p.Arg94Gln)

Gene: HK1 (hexokinase 1; plus strand). Cytogenetic location: 10q22.1.
Variant type: single nucleotide variant.
Coding change: c.281G>A on transcript NM_000188.3 (MANE Select); coding-DNA position 281, G replaced by A.
Protein change: p.Arg94Gln; replaces arginine 94 with glutamine.
Molecular consequence: missense variant.
Genome position (GRCh38, 1-based): chr10:69,359,951, G>A. VCF-style: chr10-69359951-G-A. GRCh37 (hg19) VCF-style: chr10-71119707-G-A.
Other names: c.293G>A, p.Arg98Gln (NM_001322364.2, NM_001358263.1, NM_033497.3 and 1 more transcripts); c.386G>A, p.Arg129Gln (NM_001322365.2); c.197G>A, p.Arg66Gln (NM_001322366.1); c.281G>A, p.Arg94Gln (NM_001322367.1); c.278G>A, p.Arg93Gln (NM_033496.3); c.245G>A, p.Arg82Gln (NM_033500.2); short protein forms R82Q, R93Q, R98Q, R66Q, R129Q, R94Q.
Identifiers: ClinVar variation 1438859 (VCV001438859.41), dbSNP rs1176654400, ClinGen allele CA376910606.